The following is an entry in ClinVar:

NM_002180.3(IGHMBP2):c.1363A>C (p.Thr455Pro)

Gene: IGHMBP2 (immunoglobulin mu DNA binding protein 2; plus strand). Cytogenetic location: 11q13.3.
Variant type: single nucleotide variant.
Coding change: c.1363A>C on transcript NM_002180.3 (MANE Select); coding-DNA position 1363, A replaced by C.
Protein change: p.Thr455Pro; replaces threonine 455 with proline.
Molecular consequence: missense variant.
Genome position (GRCh38, 1-based): chr11:68,933,426, A>C. VCF-style: chr11-68933426-A-C. GRCh37 (hg19) VCF-style: chr11-68700894-A-C.
Other names: short protein forms T455P.
Identifiers: ClinVar variation 534936 (VCV000534936.11), dbSNP rs775232759, ClinGen allele CA6153618.

ClinVar aggregate classification (germline): Uncertain significance. Review status: criteria provided, multiple submitters, no conflicts (2 of 4 stars). 2 submissions from 2 submitters: Uncertain significance (2). Last evaluated 2024-02-01.

Conditions:
Charcot-Marie-Tooth disease axonal type 2S. Also called: CHARCOT-MARIE-TOOTH NEUROPATHY, TYPE 2S; CHARCOT-MARIE-TOOTH DISEASE, AXONAL, AUTOSOMAL RECESSIVE, TYPE 2S. Identifiers: Orphanet 443073, MedGen C4015349, MONDO:0014511, OMIM 616155.
Autosomal recessive distal spinal muscular atrophy 1. Also called: HMN VI; NEURONOPATHY, SEVERE INFANTILE AXONAL, WITH RESPIRATORY FAILURE; SEVERE INFANTILE AXONAL NEUROPATHY WITH RESPIRATORY FAILURE; SPINAL MUSCULAR ATROPHY, DIAPHRAGMATIC; Spinal muscular atrophy with respiratory distress 1; NEURONOPATHY, DISTAL HEREDITARY MOTOR, HARDING TYPE VI. Identifiers: Orphanet 98920, MedGen C1858517, MONDO:0011436, OMIM 604320.

Allele frequency attached by ClinVar (database versions not stated): gnomAD below 0.00001 and 0.00001; gnomAD exomes 0.00002 and 0.00004; ExAC 0.00006.
gnomAD v4.1: 28 of 1,613,234 alleles (0.0017%); highest among the groups gnomAD compares: South Asian, 0.031%; no homozygotes.

Submissions (2):

Neuberg Centre For Genomic Medicine, NCGM
Classification: Uncertain significance for Charcot-Marie-Tooth disease axonal type 2S. Last evaluated: 2024-02-01. Review status: criteria provided, single submitter. Criteria: ACMG Guidelines, 2015. Collection method: clinical testing. Allele origin: germline. Inheritance: Autosomal recessive inheritance.
Comment: This variant in IGHMBP2 gene has not been reported previously as a pathogenic variant nor as a benign variant, to our knowledge.

Labcorp Genetics (formerly Invitae), Labcorp
Classification: Uncertain significance for Autosomal recessive distal spinal muscular atrophy 1; Charcot-Marie-Tooth disease axonal type 2S. Last evaluated: 2020-02-21. Review status: criteria provided, single submitter. Criteria: Invitae Variant Classification Sherloc (09022015). Collection method: clinical testing. Allele origin: germline.
Comment: This sequence change replaces threonine with proline at codon 455 of the IGHMBP2 protein (p.Thr455Pro). The threonine residue is weakly conserved and there is a small physicochemical difference between threonine and proline. In summary, the available evidence is currently insufficient to determine the role of this variant in disease. Therefore, it has been classified as a Variant of Uncertain Significance. Algorithms developed to predict the effect of missense changes on protein structure and function (SIFT, PolyPhen-2, Align-GVGD) all suggest that this variant is likely to be tolerated, but these predictions have not been confirmed by published functional studies and their clinical significance is uncertain. This variant has not been reported in the literature in individuals with IGHMBP2-related conditions. ClinVar contains an entry for this variant (Variation ID: 534936). This variant is present in population databases (rs775232759, ExAC 0.05%).